The following is an entry in ClinVar:

NM_000170.3(GLDC):c.2809C>T (p.Arg937Cys)

Gene: GLDC (glycine decarboxylase; minus strand). Cytogenetic location: 9p24.1.
Variant type: single nucleotide variant.
Coding change: c.2809C>T on transcript NM_000170.3 (MANE Select); coding-DNA position 2809, C replaced by T.
Protein change: p.Arg937Cys; replaces arginine 937 with cysteine.
Molecular consequence: missense variant.
Genome position (GRCh38, 1-based): chr9:6,536,093, G>A on the plus strand (C>T on the coding strand, the complement: GLDC is on the minus strand). VCF-style: chr9-6536093-G-A. GRCh37 (hg19) VCF-style: chr9-6536093-G-A.
Other names: short protein forms R937C.
Identifiers: ClinVar variation 1029691 (VCV001029691.7), dbSNP rs766928717, ClinGen allele CA4980068.

ClinVar aggregate classification (germline): Uncertain significance. Review status: criteria provided, multiple submitters, no conflicts (2 of 4 stars). 4 submissions from 4 submitters: Uncertain significance (4). Last evaluated 2025-03-21.

Conditions:
Glycine encephalopathy. Also called: Non-ketotic hyperglycinemia; Nonketotic hyperglycinemia. Identifiers: Orphanet 407, MedGen C0751748, MONDO:0011612, HP:0008288.

Allele frequency attached by ClinVar (database versions not stated): ExAC 0.00001; gnomAD exomes 0.00002; TOPMed 0.00002.
gnomAD v4.1: 30 of 1,613,790 alleles (0.0019%); highest among the groups gnomAD compares: Middle Eastern, 0.067%; 1 homozygote.

Submissions (4):

GeneDx
Classification: Uncertain significance. Last evaluated: 2025-03-21. Review status: criteria provided, single submitter. Criteria: GeneDx Variant Classification Process June 2021. Collection method: clinical testing. Allele origin: germline. Affected: yes.
Comment: In silico analysis supports that this missense variant has a deleterious effect on protein structure/function; Has not been previously published as pathogenic or benign to our knowledge

Labcorp Genetics (formerly Invitae), Labcorp
Classification: Uncertain significance for Glycine encephalopathy. Last evaluated: 2024-10-24. Review status: criteria provided, single submitter. Criteria: Invitae Variant Classification Sherloc (09022015). Collection method: clinical testing. Allele origin: germline.
Comment: This sequence change replaces arginine, which is basic and polar, with cysteine, which is neutral and slightly polar, at codon 937 of the GLDC protein (p.Arg937Cys). This variant is present in population databases (rs766928717, gnomAD 0.006%). This variant has not been reported in the literature in individuals affected with GLDC-related conditions. ClinVar contains an entry for this variant (Variation ID: 1029691). Invitae Evidence Modeling of protein sequence and biophysical properties (such as structural, functional, and spatial information, amino acid conservation, physicochemical variation, residue mobility, and thermodynamic stability) indicates that this missense variant is expected to disrupt GLDC protein function with a positive predictive value of 95%. In summary, the available evidence is currently insufficient to determine the role of this variant in disease. Therefore, it has been classified as a Variant of Uncertain Significance.

Baylor Genetics
Classification: Uncertain significance for Glycine encephalopathy 1. Last evaluated: 2020-06-03. Review status: criteria provided, single submitter. Criteria: ACMG Guidelines, 2015. Collection method: clinical testing. Allele origin: unknown. Affected: yes.
Comment: This variant was determined to be of uncertain significance according to ACMG Guidelines, 2015 [PMID:25741868].

Blueprint Genetics
Classification: Uncertain significance. Last evaluated: 2018-04-11. Review status: criteria provided, single submitter. Criteria: ACMG Guidelines, 2015. Collection method: clinical testing. Allele origin: germline.